The following is an entry in ClinVar:

ClinVar aggregate classification (germline): Pathogenic (1 of 4 stars; one submission).

Conditions:
Joubert syndrome. Also called: JOUBERT-BOLTSHAUSER SYNDROME; Familial aplasia of the vermis. Identifiers: Orphanet 475, MedGen C5979921, MONDO:0018772.
Meckel-Gruber syndrome. Also called: DYSENCEPHALIA SPLANCHNOCYSTICA; GRUBER SYNDROME; Dysencephalia splachnocystica. Identifiers: Orphanet 564, MedGen C0265215, MONDO:0018921.

Submission:

Labcorp Genetics (formerly Invitae), Labcorp
Classification: Pathogenic for Joubert syndrome; Meckel-Gruber syndrome. Last evaluated: 2023-04-02. Review status: criteria provided, single submitter. Criteria: Invitae Variant Classification Sherloc (09022015). Collection method: clinical testing. Allele origin: germline.
Comment: For these reasons, this variant has been classified as Pathogenic. This variant has not been reported in the literature in individuals affected with CC2D2A-related conditions. This variant is not present in population databases (gnomAD no frequency). This sequence change creates a premature translational stop signal (p.Glu601*) in the CC2D2A gene. It is expected to result in an absent or disrupted protein product. Loss-of-function variants in CC2D2A are known to be pathogenic (PMID: 19777577).

Literature cited by the submitters: PubMed 19777577.

NM_001378615.1(CC2D2A):c.1801G>T (p.Glu601Ter)

Genes: CC2D2A (coiled-coil and C2 domain containing 2A; plus strand), FBXL5 (F-box and leucine rich repeat protein 5; minus strand). Cytogenetic location: 4p15.32.
Variant type: single nucleotide variant.
Coding change: c.1801G>T on transcript NM_001378615.1 (MANE Select); coding-DNA position 1801, G replaced by T.
Protein change: p.Glu601Ter; replaces glutamic acid 601 with a stop codon.
Molecular consequence: nonsense.
Genome position (GRCh38, 1-based): chr4:15,537,935, G>T. VCF-style: chr4-15537935-G-T. GRCh37 (hg19) VCF-style: chr4-15539558-G-T.
Other names: c.1801G>T, p.Glu601Ter (NM_001080522.2); c.1654G>T, p.Glu552Ter (NM_001378617.1); short protein forms E601*, E552*.
Identifiers: ClinVar variation 2925930 (VCV002925930.3), dbSNP rs1469975894, ClinGen allele CA356411611.